The following is an entry in ClinVar:

NM_001270508.2(TNFAIP3):c.1945T>C (p.Ser649Pro)

Gene: TNFAIP3 (TNF alpha induced protein 3; plus strand). Cytogenetic location: 6q23.3.
Variant type: single nucleotide variant.
Coding change: c.1945T>C on transcript NM_001270508.2 (MANE Select); coding-DNA position 1945, T replaced by C.
Protein change: p.Ser649Pro; replaces serine 649 with proline.
Molecular consequence: missense variant.
Genome position (GRCh38, 1-based): chr6:137,880,109, T>C. VCF-style: chr6-137880109-T-C. GRCh37 (hg19) VCF-style: chr6-138201246-T-C.
Other names: c.1945T>C, p.Ser649Pro (NM_001270507.2, NM_006290.4); short protein forms S649P.
Identifiers: ClinVar variation 2745531 (VCV002745531.3), dbSNP rs2114510385, ClinGen allele CA365795044.

ClinVar aggregate classification (germline): Uncertain significance (1 of 4 stars; one submission).

Allele frequency attached by ClinVar (database versions not stated): gnomAD exomes below 0.00001.
gnomAD v4.1: 1 of 1,614,180 alleles (0.000062%); no homozygotes.

Submission:

Labcorp Genetics (formerly Invitae), Labcorp
Classification: Uncertain significance. Last evaluated: 2023-07-27. Review status: criteria provided, single submitter. Criteria: Invitae Variant Classification Sherloc (09022015). Collection method: clinical testing. Allele origin: germline.
Comment: In summary, the available evidence is currently insufficient to determine the role of this variant in disease. Therefore, it has been classified as a Variant of Uncertain Significance. Algorithms developed to predict the effect of missense changes on protein structure and function output the following: SIFT: "Not Available"; PolyPhen-2: "Benign"; Align-GVGD: "Not Available". The proline amino acid residue is found in multiple mammalian species, which suggests that this missense change does not adversely affect protein function. This variant has not been reported in the literature in individuals affected with TNFAIP3-related conditions. This variant is not present in population databases (gnomAD no frequency). This sequence change replaces serine, which is neutral and polar, with proline, which is neutral and non-polar, at codon 649 of the TNFAIP3 protein (p.Ser649Pro).